The following is an entry in ClinVar:

ClinVar aggregate classification (germline): Uncertain significance (1 of 4 stars; one submission).

gnomAD v4.1: 106 of 1,614,150 alleles (0.0066%); highest among the groups gnomAD compares: Middle Eastern, 0.033%; no homozygotes.

Submission:

Labcorp Genetics (formerly Invitae), Labcorp
Classification: Uncertain significance. Last evaluated: 2024-04-14. Review status: criteria provided, single submitter. Criteria: Invitae Variant Classification Sherloc (09022015). Collection method: clinical testing. Allele origin: germline.
Comment: This sequence change replaces alanine, which is neutral and non-polar, with valine, which is neutral and non-polar, at codon 54 of the H6PD protein (p.Ala54Val). This variant is present in population databases (rs140077792, gnomAD 0.04%). This variant has not been reported in the literature in individuals affected with H6PD-related conditions. Advanced modeling of protein sequence and biophysical properties (such as structural, functional, and spatial information, amino acid conservation, physicochemical variation, residue mobility, and thermodynamic stability) performed at Invitae indicates that this missense variant is not expected to disrupt H6PD protein function with a negative predictive value of 80%. In summary, the available evidence is currently insufficient to determine the role of this variant in disease. Therefore, it has been classified as a Variant of Uncertain Significance.

NM_004285.4(H6PD):c.161C>T (p.Ala54Val)

Gene: H6PD (hexose-6-phosphate dehydrogenase/glucose 1-dehydrogenase; plus strand). Cytogenetic location: 1p36.22.
Variant type: single nucleotide variant.
Coding change: c.161C>T on transcript NM_004285.4 (MANE Select); coding-DNA position 161, C replaced by T.
Protein change: p.Ala54Val; replaces alanine 54 with valine.
Molecular consequence: missense variant.
Genome position (GRCh38, 1-based): chr1:9,245,095, C>T. VCF-style: chr1-9245095-C-T. GRCh37 (hg19) VCF-style: chr1-9305154-C-T.
Other names: c.194C>T, p.Ala65Val (NM_001282587.2); short protein forms A54V, A65V.
Identifiers: ClinVar variation 3717971 (VCV003717971.2).